The following is an entry in ClinVar:

NM_206933.4(USH2A):c.2398G>A (p.Ala800Thr)

Genes: USH2A (usherin; minus strand), LOC122152296 (Sharpr-MPRA regulatory region 8762; plus strand). Cytogenetic location: 1q41.
Variant type: single nucleotide variant.
Coding change: c.2398G>A on transcript NM_206933.4 (MANE Select); coding-DNA position 2398, G replaced by A.
Protein change: p.Ala800Thr; replaces alanine 800 with threonine.
Molecular consequence: missense variant.
Genome position (GRCh38, 1-based): chr1:216,246,996, C>T on the plus strand (G>A on the coding strand, the complement: USH2A is on the minus strand). VCF-style: chr1-216246996-C-T. GRCh37 (hg19) VCF-style: chr1-216420338-C-T.
Other names: c.2398G>A, p.Ala800Thr (NM_007123.6); short protein forms A800T.
Identifiers: ClinVar variation 957934 (VCV000957934.8), dbSNP rs375656256, ClinGen allele CA37501376.
Genomic context (GRCh38, chr1:216,246,996, plus strand): 5'-TGGGCTTGCAGATGCACTGCCCTGTCTTAGCATTACAGACAGTCCCAGGGAGGGATCCAG[C>T]TGTGTCACAGTCACAGGCCTTACAATTGGTGACATCTAACCCATAAAAGTTTTCTCTGCA-3'
Protein context (NP_996816.3, residues 790-810): TNCKACDCDT[Ala800Thr]GSLPGTVCNA

ClinVar aggregate classification (germline): Uncertain significance. Review status: criteria provided, multiple submitters, no conflicts (2 of 4 stars). 3 submissions from 3 submitters: Uncertain significance (2). 1 of the submissions does not count toward it. Last evaluated 2023-10-01.

Conditions:
Usher syndrome type 2A. Also called: RETINAL DISEASE IN USHER SYNDROME TYPE IIA, MODIFIER OF; USHER SYNDROME, TYPE IIA. Identifiers: Orphanet 231178, Orphanet 886, MedGen C1848634, MONDO:0010169, OMIM 276901.
Retinal dystrophy. Also called: Inherited retinal dystrophy. Identifiers: Orphanet 71862, MedGen C0854723, MeSH D058499, MONDO:0019118, HP:0000556.

Allele frequency attached by ClinVar (database versions not stated): gnomAD exomes below 0.00001 and 0.00001; TOPMed 0.00002; gnomAD 0.00003 and 0.00004; ESP Exome Variant Server 0.00008.
gnomAD v4.1: 13 of 1,613,962 alleles (0.00081%); highest among the groups gnomAD compares: African/African-American, 0.016%; no homozygotes.

Submissions (3):

Dept Of Ophthalmology, Nagoya University
Classification: Uncertain significance for Retinal dystrophy. Last evaluated: 2023-10-01. Review status: criteria provided, single submitter. Criteria: Submitter's publication. Collection method: research. Allele origin: germline. Affected: yes.

Labcorp Genetics (formerly Invitae), Labcorp
Classification: Uncertain significance. Last evaluated: 2021-09-01. Review status: criteria provided, single submitter. Criteria: Invitae Variant Classification Sherloc (09022015). Collection method: clinical testing. Allele origin: germline.
Comment: This sequence change replaces alanine with threonine at codon 800 of the USH2A protein (p.Ala800Thr). The alanine residue is highly conserved and there is a small physicochemical difference between alanine and threonine. This variant is not present in population databases (ExAC no frequency). This variant has not been reported in the literature in individuals affected with USH2A-related conditions. Algorithms developed to predict the effect of missense changes on protein structure and function are either unavailable or do not agree on the potential impact of this missense change (SIFT: "Deleterious"; PolyPhen-2: "Benign"; Align-GVGD: "Class C55"). In summary, the available evidence is currently insufficient to determine the role of this variant in disease. Therefore, it has been classified as a Variant of Uncertain Significance.

Natera, Inc.
Classification: Uncertain significance for Usher syndrome type 2A. Last evaluated: 2019-12-13. Review status: no assertion criteria provided. Collection method: clinical testing. Allele origin: germline. Not counted in ClinVar's aggregate classification.